The following is an entry in ClinVar:

NM_000883.4(IMPDH1):c.255-6C>T

Gene: IMPDH1 (inosine monophosphate dehydrogenase 1; minus strand). Cytogenetic location: 7q32.1.
Variant type: single nucleotide variant.
Coding change: c.255-6C>T on transcript NM_000883.4 (MANE Select); 6 bases into the intron before coding-DNA position 255, C replaced by T.
Molecular consequence: intron variant. On other transcripts: 5 prime UTR variant (3).
Genome position (GRCh38, 1-based): chr7:128,405,871, G>A on the plus strand (C>T on the coding strand, the complement: IMPDH1 is on the minus strand). VCF-style: chr7-128405871-G-A. GRCh37 (hg19) VCF-style: chr7-128045925-G-A.
Other names: c.-7C>T (NM_001142573.2, NM_001142574.2, NM_001142575.2); c.147-2117C>T (NM_001304521.2); c.147-6C>T (NM_183243.3); c.225-6C>T (NM_001102605.2); c.255-2117C>T (NM_001142576.2).
Identifiers: ClinVar variation 4990781 (VCV004990781.1).

ClinVar aggregate classification (germline): Likely benign (1 of 4 stars; one submission).

Conditions:
IMPDH1-related disorder. Also called: IMPDH1-related disorders; IMPDH1-related condition.

Submission:

PreventionGenetics, part of Exact Sciences
Classification: Likely benign for IMPDH1-related condition. Last evaluated: 2025-03-26. Review status: criteria provided, single submitter. Criteria: ACMG Guidelines, 2015. Collection method: clinical testing. Allele origin: germline.
Comment: This variant is classified as likely benign based on ACMG/AMP sequence variant interpretation guidelines (Richards et al. 2015 PMID: 25741868, with internal and published modifications).